The following is an entry in ClinVar:

ClinVar aggregate classification (germline): Conflicting classifications of pathogenicity. Review status: criteria provided, conflicting classifications (1 of 4 stars). 3 submissions from 3 submitters: Uncertain significance (1); Likely benign (1). 1 of the submissions does not count toward it. Last evaluated 2023-07-11.

Conditions:
Inborn genetic diseases. Identifiers: MedGen C0950123, MeSH D030342.

Allele frequency attached by ClinVar (database versions not stated): gnomAD exomes 0.00004 and 0.00010; ExAC 0.00005; TOPMed 0.00006; gnomAD 0.00007.
gnomAD v4.1: 75 of 1,613,596 alleles (0.0046%); highest among the groups gnomAD compares: Admixed American, 0.015%; no homozygotes.

Submissions (3):

Ambry Genetics
Classification: Likely benign for Inborn genetic diseases. Last evaluated: 2023-07-11. Review status: criteria provided, single submitter. Criteria: Ambry Variant Classification Scheme 2023. Collection method: clinical testing. Allele origin: germline.

Labcorp Genetics (formerly Invitae), Labcorp
Classification: Uncertain significance. Last evaluated: 2022-09-01. Review status: criteria provided, single submitter. Criteria: Invitae Variant Classification Sherloc (09022015). Collection method: clinical testing. Allele origin: germline.
Comment: This sequence change replaces aspartic acid, which is acidic and polar, with glutamic acid, which is acidic and polar, at codon 147 of the CDC45 protein (p.Asp147Glu). This variant is present in population databases (rs778459455, gnomAD 0.2%). This variant has not been reported in the literature in individuals affected with CDC45-related conditions. ClinVar contains an entry for this variant (Variation ID: 1049438). Algorithms developed to predict the effect of missense changes on protein structure and function output the following: SIFT: "Tolerated"; PolyPhen-2: "Benign"; Align-GVGD: "Class C0". The glutamic acid amino acid residue is found in multiple mammalian species, which suggests that this missense change does not adversely affect protein function. In summary, the available evidence is currently insufficient to determine the role of this variant in disease. Therefore, it has been classified as a Variant of Uncertain Significance.

Department of Pathology and Laboratory Medicine, Sinai Health System
Classification: Uncertain significance. Review status: no assertion criteria provided. Collection method: clinical testing. Allele origin: unknown. Affected: yes. Study: The Canadian Open Genetics Repository (COGR). Not counted in ClinVar's aggregate classification.
Comment: Â¬â€ The CDC45 p.D135E variant was not identified in the literature nor was it identified in ClinVar. The variant was identified in dbSNP (ID: rs778459455) and in control databases in 26 of 250848 chromosomes at a frequency of 0.0001036 (Genome Aggregation Database March 6, 2019, v2.1.1). The variant was observed in the following populations: Ashkenazi Jewish in 21 of 10074 chromosomes (freq: 0.002085), Latino in 3 of 34358 chromosomes (freq: 0.000087) and European (non-Finnish) in 2 of 113608 chromosomes (freq: 0.000018), but was not observed in the African, East Asian, European (Finnish), Other, or South Asian populations. The p.D135 residue is not conserved in mammals and computational analyses (PolyPhen-2, SIFT, MutationTaster, Revel, FATHMM, MetaLR, DANN) do not suggest a high likelihood of impact to the protein; however, this information is not predictive enough to rule out pathogenicity. The variant occurs outside of the splicing consensus sequence and in silico or computational prediction software programs (Splice AI exome) do not predict a difference in splicing. In summary, based on the above information the clinical significance of this variant cannot be determined with certainty at this time. This variant is classified as a variant of uncertain significance.

NM_003504.5(CDC45):c.441C>G (p.Asp147Glu)

Gene: CDC45 (cell division cycle 45; plus strand). Cytogenetic location: 22q11.21.
Variant type: single nucleotide variant.
Coding change: c.441C>G on transcript NM_003504.5 (MANE Select); coding-DNA position 441, C replaced by G.
Protein change: p.Asp147Glu; replaces aspartic acid 147 with glutamic acid.
Molecular consequence: missense variant. On other transcripts: non-coding transcript variant (1).
Genome position (GRCh38, 1-based): chr22:19,483,960, C>G. VCF-style: chr22-19483960-C-G. GRCh37 (hg19) VCF-style: chr22-19471483-C-G.
Other names: c.441C>G, p.Asp147Glu (NM_001178010.2); c.303C>G, p.Asp101Glu (NM_001178011.2); c.405C>G, p.Asp135Glu (NM_001369291.1); c.441C>G (NM_001178010.1); short protein forms D101E, D135E, D147E.
Identifiers: ClinVar variation 1049438 (VCV001049438.5), dbSNP rs778459455, ClinGen allele CA10101043.
Genomic context (GRCh38, chr22:19,483,960, plus strand): 5'-TCCCGCCTATGAAGACATCTTCAGGGATGAAGAGGAGGATGAAGAGCATTCAGGAAATGA[C>G]AGTGATGGGTCAGAGCCTTCTGAGAAGCGCACACGGTTAGAAGAGGTGAGTTTGGGTCTC-3'
Protein context (NP_003495.1, residues 137-157): EEEDEEHSGN[Asp147Glu]SDGSEPSEKR